The following is an entry in ClinVar:

ClinVar aggregate classification (germline): Likely pathogenic. Review status: reviewed by expert panel (3 of 4 stars). 3 submissions from 3 submitters: Likely pathogenic (1). 2 of the submissions do not count toward it. Last evaluated 2026-10-02.

Conditions:
Hereditary thrombocytopenia and hematologic cancer predisposition syndrome. Identifiers: Orphanet 71290, MedGen CN281654, MONDO:0011071.
Acute myeloid leukemia (AML). Also called: Acute myeloid leukemia, adult; AML adult; Acute non-lymphocytic leukemia; Acute granulocytic leukemia; Leukemia, acute myeloid, somatic; Leukemia, acute myelogenous, somatic. Identifiers: Orphanet 519, MedGen C0023467, MeSH D015470, MONDO:0018874, OMIM 601626, HP:0004808. Disease mechanism: Constitutively activated FLT3.
Hereditary thrombocytopenia and hematological cancer predisposition syndrome associated with RUNX1. Also called: Familial Platelet Disorder with Propensity to Acute Myelogenous Leukemia; Familial thrombocytopenia with propensity to acute myelogenous leukemia; RUNX1 Familial Platelet Disorder with Associated Myeloid Malignancies; PLATELET DISORDER, ASPIRIN-LIKE. Identifiers: Orphanet 71290, MedGen C1832388, MeSH C563324, MONDO:0100083, OMIM 601399.

Submissions (3):

ClinGen Myeloid Malignancy Variant Curation Expert Panel
Classification: Likely pathogenic for Hereditary thrombocytopenia and hematologic cancer predisposition syndrome. Last evaluated: 2026-10-02. Review status: reviewed by expert panel. Criteria: ClinGen MyeloMalig ACMG Specifications V3.1. Collection method: curation. Allele origin: germline. Inheritance: Autosomal dominant inheritance.
Comment: NM_001754.4:c.508+2T>C is a canonical splice site variant which is predicted to introduce a premature stop codon and expected to result in NMD (PVS1). This variant is completely absent from all population databases with at least 20x coverage for RUNX1 (PM2_Supporting). In summary, this variant meets criteria to be classified as likely pathogenic. ACMG/AMP criteria applied, as specified by the Myeloid Malignancy Variant Curation Expert Panel for RUNX1: PVS1, PM2_Supporting.

Labcorp Genetics (formerly Invitae), Labcorp
Classification: Likely pathogenic for Hereditary thrombocytopenia and hematological cancer predisposition syndrome associated with RUNX1. Last evaluated: 2021-12-30. Review status: criteria provided, single submitter. Criteria: Invitae Variant Classification Sherloc (09022015). Collection method: clinical testing. Allele origin: germline. Not counted in ClinVar's aggregate classification.
Comment: In summary, the currently available evidence indicates that the variant is pathogenic, but additional data are needed to prove that conclusively. Therefore, this variant has been classified as Likely Pathogenic. Algorithms developed to predict the effect of sequence changes on RNA splicing suggest that this variant may disrupt the consensus splice site. ClinVar contains an entry for this variant (Variation ID: 642956). This variant has not been reported in the literature in individuals affected with RUNX1-related conditions. This variant is not present in population databases (gnomAD no frequency). This sequence change affects a donor splice site in intron 5 of the RUNX1 gene. It is expected to disrupt RNA splicing. Variants that disrupt the donor or acceptor splice site typically lead to a loss of protein function (PMID: 16199547), and loss-of-function variants in RUNX1 are known to be pathogenic (PMID: 18723428, 24100448).

Fulgent Genetics
Classification: Likely pathogenic for Hereditary thrombocytopenia and hematological cancer predisposition syndrome associated with RUNX1; Acute myeloid leukemia. Last evaluated: 2021-08-04. Review status: criteria provided, single submitter. Criteria: ACMG Guidelines, 2015. Collection method: clinical testing. Allele origin: unknown. Not counted in ClinVar's aggregate classification.

Literature cited by the submitters: PubMed 16199547 (cited by Labcorp Genetics (formerly Invitae), Labcorp); PubMed 18723428 (cited by Labcorp Genetics (formerly Invitae), Labcorp); PubMed 24100448 (cited by Labcorp Genetics (formerly Invitae), Labcorp).

NM_001754.5(RUNX1):c.508+2T>C

Genes: RUNX1 (RUNX family transcription factor 1; minus strand), RUNX1-AS1 (RUNX1 antisense RNA 1; plus strand). Cytogenetic location: 21q22.12.
Variant type: single nucleotide variant.
Coding change: c.508+2T>C on transcript NM_001754.5 (MANE Select); the canonical splice donor site of the intron after coding-DNA position 508, T replaced by C.
Molecular consequence: splice donor variant.
Genome position (GRCh38, 1-based): chr21:34,880,555, A>G on the plus strand (T>C on the coding strand, the complement: RUNX1 is on the minus strand). VCF-style: chr21-34880555-A-G. GRCh37 (hg19) VCF-style: chr21-36252852-A-G.
Other names: c.427+2T>C (NM_001001890.3, NM_001122607.2); c.508+2T>C (NM_001754.4).
Identifiers: ClinVar variation 642956 (VCV000642956.11), dbSNP rs1601515707, ClinGen allele CA410202459.